The following is an entry in ClinVar:

ClinVar aggregate classification (germline): Benign (1 of 4 stars; one submission).

Allele frequency attached by ClinVar (database versions not stated): gnomAD exomes 0.00084; 1000 Genomes Project 30x 0.00047.

Submission:

CeGaT Center for Human Genetics Tuebingen
Classification: Benign. Last evaluated: 2022-06-01. Review status: criteria provided, single submitter. Criteria: CeGaT Center For Human Genetics Tuebingen Variant Classification Criteria Version 2. Collection method: clinical testing. Allele origin: germline. Affected: yes. Observed: 1 variant allele.
Comment: AXIN2: BS1, BS2

NM_004655.4(AXIN2):c.-263G>A

Gene: AXIN2 (axin 2; minus strand). Cytogenetic location: 17q24.1.
Variant type: single nucleotide variant.
Coding change: c.-263G>A on transcript NM_004655.4 (MANE Select); 263 bases upstream of the start codon, G replaced by A.
Molecular consequence: 5 prime UTR variant.
Genome position (GRCh38, 1-based): chr17:65,561,596, C>T on the plus strand (G>A on the coding strand, the complement: AXIN2 is on the minus strand). VCF-style: chr17-65561596-C-T. GRCh37 (hg19) VCF-style: chr17-63557714-C-T.
Other names: c.-263G>A (NM_001363813.1).
Identifiers: ClinVar variation 2648107 (VCV002648107.24), dbSNP rs886702753, ClinGen allele CA293108095.